The following is an entry in ClinVar:

NM_001080510.5(METTL23):c.496G>T (p.Asp166Tyr)

Gene: METTL23 (methyltransferase 23, arginine; plus strand). Cytogenetic location: 17q25.1.
Variant type: single nucleotide variant.
Coding change: c.496G>T on transcript NM_001080510.5 (MANE Select); coding-DNA position 496, G replaced by T.
Protein change: p.Asp166Tyr; replaces aspartic acid 166 with tyrosine.
Molecular consequence: missense variant. On other transcripts: non-coding transcript variant (1).
Genome position (GRCh38, 1-based): chr17:76,733,609, G>T. VCF-style: chr17-76733609-G-T. GRCh37 (hg19) VCF-style: chr17-74729691-G-T.
Other names: c.484G>T, p.Asp162Tyr (NM_001302705.2, NM_001378350.1, NM_001378351.1 and 2 more transcripts); c.496G>T, p.Asp166Tyr (NM_001206983.3, NM_001206984.3, NM_001302703.2 and 2 more transcripts); c.295G>T, p.Asp99Tyr (NM_001206985.3, NM_001206986.3, NM_001206987.3 and 2 more transcripts); short protein forms D166Y, D162Y, D99Y.
Identifiers: ClinVar variation 1032600 (VCV001032600.1), dbSNP rs138247613, ClinGen allele CA401188919.
Genomic context (GRCh38, chr17:76,733,609, plus strand): 5'-TACAAATGGGATATGAAATGTGTCCACATTCCTCTTGAGTCTTTTGATGCAGACAAAGAA[G>T]ATATAGCAGAATCTACCCTTCCAGGAAGACATACAGTTGAAATGCTGGTCATTTCCTTTG-3'
Protein context (NP_001073979.3, residues 156-176): PLESFDADKE[Asp166Tyr]IAESTLPGRH

ClinVar aggregate classification (germline): Uncertain significance (1 of 4 stars; one submission).

Conditions:
Intellectual developmental disorder, autosomal recessive 44. Also called: Intellectual disability, autosomal recessive 44. Identifiers: Orphanet 88616, MedGen C4014745, MONDO:0014409, OMIM 615942.

Allele frequency attached by ClinVar (database versions not stated): TOPMed 0.00001.

Submission:

Baylor Genetics
Classification: Uncertain significance for Intellectual developmental disorder, autosomal recessive 44. Last evaluated: 2018-04-26. Review status: criteria provided, single submitter. Criteria: ACMG Guidelines, 2015. Collection method: clinical testing. Allele origin: maternal. Affected: yes.
Comment: This variant was determined to be of uncertain significance according to ACMG Guidelines, 2015 [PMID:25741868].